The following is an entry in ClinVar:

NM_000213.5(ITGB4):c.5184C>T (p.Arg1728=)

Genes: GALK1 (galactokinase 1; minus strand), ITGB4 (integrin subunit beta 4; plus strand). Cytogenetic location: 17q25.1.
Variant type: single nucleotide variant.
Coding change: c.5184C>T on transcript NM_000213.5 (MANE Select); coding-DNA position 5184, C replaced by T.
Protein change: p.Arg1728=; no amino-acid change (arginine 1728 retained).
Molecular consequence: synonymous variant. On other transcripts: intron variant (1).
Genome position (GRCh38, 1-based): chr17:75,757,073, C>T. VCF-style: chr17-75757073-C-T. GRCh37 (hg19) VCF-style: chr17-73753154-C-T.
Other names: c.5133C>T, p.Arg1711= (NM_001005619.2); c.4974C>T, p.Arg1658= (NM_001005731.3, NM_001321123.2); c.4824C>T, p.Arg1608= (NM_001438834.1); c.*22+961G>A (NM_001381985.1); c.5184C>T (NM_000213.4).
Identifiers: ClinVar variation 2179248 (VCV002179248.6), dbSNP rs752571680, ClinGen allele CA8770486.

ClinVar aggregate classification (germline): Likely benign. Review status: criteria provided, multiple submitters, no conflicts (2 of 4 stars). 3 submissions from 3 submitters: Likely benign (3). Last evaluated 2026-04-09.

Conditions:
ITGB4-related disorder. Also called: ITGB4-related condition.

Allele frequency attached by ClinVar (database versions not stated): gnomAD 0.00006; gnomAD exomes 0.00007; ExAC 0.00010; TOPMed 0.00004.
gnomAD v4.1: 121 of 1,612,750 alleles (0.0075%); highest among the groups gnomAD compares: Middle Eastern, 0.033%; 1 homozygote.

Submissions (5):

PreventionGenetics, part of Exact Sciences
Classification: Likely benign for ITGB4-related condition. Last evaluated: 2026-04-09. Review status: criteria provided, single submitter. Criteria: ACMG Guidelines, 2015. Collection method: clinical testing. Allele origin: germline.
Comment: This variant is classified as likely benign based on ACMG/AMP sequence variant interpretation guidelines (Richards et al. 2015 PMID: 25741868, with internal and published modifications).

Blueprint Genetics
Classification: Likely benign. Last evaluated: 2024-10-11. Review status: criteria provided, single submitter. Criteria: ACMG Guidelines, 2015. Collection method: clinical testing. Allele origin: germline.

Labcorp Genetics (formerly Invitae), Labcorp
Classification: Likely benign. Last evaluated: 2024-02-22. Review status: criteria provided, single submitter. Criteria: Invitae Variant Classification Sherloc (09022015). Collection method: clinical testing. Allele origin: germline.

Dr. Peter K. Rogan Lab, Western University
No classification provided (evidence only). Condition: Familial cancer of breast. Review status: no classification provided. Collection method: in vitro. Allele origin: not applicable. Functional consequence: retained intron. Not counted in ClinVar's aggregate classification.

Dr. Peter K. Rogan Lab, Western University
No classification provided (evidence only). Condition: Gastric cancer. Review status: no classification provided. Collection method: in vitro. Allele origin: not applicable. Functional consequence: retained intron. Not counted in ClinVar's aggregate classification.